The following is an entry in ClinVar:

NM_003737.4(DCHS1):c.304C>T (p.Arg102Cys)

Gene: DCHS1 (dachsous cadherin-related 1; minus strand). Cytogenetic location: 11p15.4.
Variant type: single nucleotide variant.
Coding change: c.304C>T on transcript NM_003737.4 (MANE Select); coding-DNA position 304, C replaced by T.
Protein change: p.Arg102Cys; replaces arginine 102 with cysteine.
Molecular consequence: missense variant.
Genome position (GRCh38, 1-based): chr11:6,641,310, G>A on the plus strand (C>T on the coding strand, the complement: DCHS1 is on the minus strand). VCF-style: chr11-6641310-G-A. GRCh37 (hg19) VCF-style: chr11-6662541-G-A.
Other names: c.304C>T (NM_003737.2); short protein forms R102C.
Identifiers: ClinVar variation 2416774 (VCV002416774.7), dbSNP rs780012886, ClinGen allele CA5861176.
Genomic context (GRCh38, chr11:6,641,310, plus strand): 5'-GAGTGACTGCAGTGAAGCGGTAGCGGTCCCGCTGCTCACGGTCCAAGACACGGGCTGTAC[G>A]GACGACCCCACTGTGTTCGTCAATGGCCAGGTCTGTGCCCACGCCGCTGCCCTCTTGGGC-3'
Protein context (NP_003728.1, residues 92-112): LAIDEHSGVV[Arg102Cys]TARVLDREQR

ClinVar aggregate classification (germline): Uncertain significance. Review status: criteria provided, multiple submitters, no conflicts (2 of 4 stars). 2 submissions from 2 submitters: Uncertain significance (2). Last evaluated 2024-05-14.

Conditions:
Inborn genetic diseases. Identifiers: MedGen C0950123, MeSH D030342.

Allele frequency attached by ClinVar (database versions not stated): ExAC 0.00001; gnomAD exomes 0.00001; gnomAD 0.00002; TOPMed 0.00002.

Submissions (2):

Ambry Genetics
Classification: Uncertain significance for Inborn genetic diseases. Last evaluated: 2024-05-14. Review status: criteria provided, single submitter. Criteria: Ambry Variant Classification Scheme 2023. Collection method: clinical testing. Allele origin: germline.

Labcorp Genetics (formerly Invitae), Labcorp
Classification: Uncertain significance. Last evaluated: 2023-11-02. Review status: criteria provided, single submitter. Criteria: Invitae Variant Classification Sherloc (09022015). Collection method: clinical testing. Allele origin: germline.
Comment: This sequence change replaces arginine, which is basic and polar, with cysteine, which is neutral and slightly polar, at codon 102 of the DCHS1 protein (p.Arg102Cys). This variant is present in population databases (rs780012886, gnomAD 0.01%). This variant has not been reported in the literature in individuals affected with DCHS1-related conditions. ClinVar contains an entry for this variant (Variation ID: 2416774). Advanced modeling of protein sequence and biophysical properties (such as structural, functional, and spatial information, amino acid conservation, physicochemical variation, residue mobility, and thermodynamic stability) has been performed at Invitae for this missense variant, however the output from this modeling did not meet the statistical confidence thresholds required to predict the impact of this variant on DCHS1 protein function. In summary, the available evidence is currently insufficient to determine the role of this variant in disease. Therefore, it has been classified as a Variant of Uncertain Significance.